The following is an entry in ClinVar:

NM_001379500.1(COL18A1):c.107-11440C>T

Gene: COL18A1 (collagen type XVIII alpha 1 chain; plus strand). Cytogenetic location: 21q22.3.
Variant type: single nucleotide variant.
Coding change: c.107-11440C>T on transcript NM_001379500.1 (MANE Select); 11440 bases into the intron before coding-DNA position 107, C replaced by T.
Molecular consequence: intron variant. On other transcripts: synonymous variant (1).
Genome position (GRCh38, 1-based): chr21:45,456,802, C>T. VCF-style: chr21-45456802-C-T. GRCh37 (hg19) VCF-style: chr21-46876716-C-T.
Other names: c.1272C>T, p.Gly424= (NM_130444.3); c.646+626C>T (NM_030582.4).
Identifiers: ClinVar variation 3039005 (VCV003039005.11), dbSNP rs60098805, ClinGen allele CA10065651.

ClinVar aggregate classification (germline): Likely benign. Review status: criteria provided, multiple submitters, no conflicts (2 of 4 stars). 3 submissions from 3 submitters: Likely benign (2). 1 of the submissions does not count toward it. Last evaluated 2026-09-01.

Conditions:
COL18A1-related disorder. Also called: COL18A1-related disorders; COL18A1-related condition.

Allele frequency attached by ClinVar (database versions not stated): gnomAD exomes 0.00040; ExAC 0.00180; 1000 Genomes Project 0.00280; 1000 Genomes Project 30x 0.00297; gnomAD 0.00359; TOPMed 0.00410.
gnomAD v4.1: 1,122 of 1,538,670 alleles (0.073%); highest among the groups gnomAD compares: African/African-American, 1.3%; 7 homozygotes.

Submissions (3):

CeGaT Center for Human Genetics Tuebingen
Classification: Likely benign. Last evaluated: 2026-09-01. Review status: criteria provided, single submitter. Criteria: CeGaT Center For Human Genetics Tuebingen Variant Classification Criteria Version 2. Collection method: clinical testing. Allele origin: germline. Affected: yes. Observed: 2 variant alleles.
Comment: COL18A1: BP4, BP7, BS1

Blueprint Genetics
Classification: Likely benign. Last evaluated: 2024-10-08. Review status: criteria provided, single submitter. Criteria: ACMG Guidelines, 2015. Collection method: clinical testing. Allele origin: germline.

PreventionGenetics, part of Exact Sciences
Classification: Benign for COL18A1-related condition. Last evaluated: 2019-05-30. Review status: no assertion criteria provided. Collection method: clinical testing. Allele origin: germline. Not counted in ClinVar's aggregate classification.
Comment: This variant is classified as benign based on ACMG/AMP sequence variant interpretation guidelines (Richards et al. 2015 PMID: 25741868, with internal and published modifications).